The following is an entry in ClinVar:

ClinVar aggregate classification (germline): Pathogenic (1 of 4 stars; one submission).

Conditions:
Autosomal recessive nonsyndromic hearing loss 28. Identifiers: Orphanet 90636, MedGen C1853276, MONDO:0012355, OMIM 609823.

Submission:

Institute of Rare Diseases, West China Hospital, Sichuan University
Classification: Pathogenic for Autosomal recessive nonsyndromic hearing loss 28. Last evaluated: 2025-01-09. Review status: criteria provided, single submitter. Criteria: ClinGen HL ACMG Specifications v1. Collection method: research. Allele origin: germline. Affected: yes.
Comment: PVS1;PM3_Supporting;PM2_Supporting

NM_001039141.3(TRIOBP):c.1489C>T (p.Arg497Ter)

Gene: TRIOBP (TRIO and F-actin binding protein; plus strand). Cytogenetic location: 22q13.1.
Variant type: single nucleotide variant.
Coding change: c.1489C>T on transcript NM_001039141.3 (MANE Select); coding-DNA position 1489, C replaced by T.
Protein change: p.Arg497Ter; replaces arginine 497 with a stop codon.
Molecular consequence: nonsense.
Genome position (GRCh38, 1-based): chr22:37,724,045, C>T. VCF-style: chr22-37724045-C-T. GRCh37 (hg19) VCF-style: chr22-38120052-C-T.
Other names: short protein forms R497*.
Identifiers: ClinVar variation 3601947 (VCV003601947.1).
Genomic context (GRCh38, chr22:37,724,045, plus strand): 5'-CCCAGAACATCCTGTGCCCAGCGGGACAATCCCAGAGCCTCCTCTCCCAGTAGAGCTACA[C>T]GAGACAACCCCACAACATCCTGTGCCCAGCGGGACAATCCCAGAGCCTCCAGAACCTCCT-3'